The following is an entry in ClinVar:

NM_017780.4(CHD7):c.6219G>T (p.Gln2073His)

Gene: CHD7 (chromodomain helicase DNA binding protein 7; plus strand). Cytogenetic location: 8q12.2.
Variant type: single nucleotide variant.
Coding change: c.6219G>T on transcript NM_017780.4 (MANE Select); coding-DNA position 6219, G replaced by T.
Protein change: p.Gln2073His; replaces glutamine 2073 with histidine.
Molecular consequence: missense variant. On other transcripts: intron variant (1).
Genome position (GRCh38, 1-based): chr8:60,852,944, G>T. VCF-style: chr8-60852944-G-T. GRCh37 (hg19) VCF-style: chr8-61765503-G-T.
Other names: c.1717-9285G>T (NM_001316690.1); short protein forms Q2073H.
Identifiers: ClinVar variation 3653802 (VCV003653802.2).

ClinVar aggregate classification (germline): Uncertain significance (1 of 4 stars; one submission).

Conditions:
CHARGE syndrome (CHARGE). Also called: Hittner Hirsch Kreh syndrome; CHARGE ASSOCIATION--COLOBOMA, HEART ANOMALY, CHOANAL ATRESIA, RETARDATION, GENITAL AND EAR ANOMALIES; Coloboma, heart anomaly, choanal atresia, retardation, genital and ear anomalies; CHARGE association; Hall-Hittner syndrome. Identifiers: Orphanet 138, MedGen C0265354, MONDO:0008965.

Submission:

Labcorp Genetics (formerly Invitae), Labcorp
Classification: Uncertain significance for CHARGE syndrome. Last evaluated: 2024-05-23. Review status: criteria provided, single submitter. Criteria: Invitae Variant Classification Sherloc (09022015). Collection method: clinical testing. Allele origin: germline.
Comment: This sequence change replaces glutamine, which is neutral and polar, with histidine, which is basic and polar, at codon 2073 of the CHD7 protein (p.Gln2073His). This variant is not present in population databases (gnomAD no frequency). This variant has not been reported in the literature in individuals affected with CHD7-related conditions. Advanced modeling of protein sequence and biophysical properties (such as structural, functional, and spatial information, amino acid conservation, physicochemical variation, residue mobility, and thermodynamic stability) performed at Invitae indicates that this missense variant is not expected to disrupt CHD7 protein function with a negative predictive value of 95%. In summary, the available evidence is currently insufficient to determine the role of this variant in disease. Therefore, it has been classified as a Variant of Uncertain Significance.